The following is an entry in ClinVar:

ClinVar aggregate classification (germline): Uncertain significance (1 of 4 stars; one submission).

Submission:

GeneDx
Classification: Uncertain significance. Last evaluated: 2026-03-27. Review status: criteria provided, single submitter. Criteria: GeneDx Variant Classification Process June 2021. Collection method: clinical testing. Allele origin: germline.
Comment: Not observed at significant frequency in large population cohorts (gnomAD); In silico analysis suggests that this missense variant does not alter protein structure/function; Has not been previously published as pathogenic or benign to our knowledge

NM_003839.4(TNFRSF11A):c.1544C>G (p.Pro515Arg)

Gene: TNFRSF11A (TNF receptor superfamily member 11a; plus strand). Cytogenetic location: 18q21.33.
Variant type: single nucleotide variant.
Coding change: c.1544C>G on transcript NM_003839.4 (MANE Select); coding-DNA position 1544, C replaced by G.
Protein change: p.Pro515Arg; replaces proline 515 with arginine.
Molecular consequence: missense variant. On other transcripts: intron variant (3).
Genome position (GRCh38, 1-based): chr18:62,369,461, C>G. VCF-style: chr18-62369461-C-G. GRCh37 (hg19) VCF-style: chr18-60036694-C-G.
Other names: c.1502C>G, p.Pro501Arg (NM_001278268.2); c.783+2701C>G (NM_001270949.2); c.730+7668C>G (NM_001270950.2); c.616+9412C>G (NM_001270951.2); short protein forms P501R, P515R.
Identifiers: ClinVar variation 5017733 (VCV005017733.1).